The following is an entry in ClinVar:

NM_001395413.1(POR):c.1555C>T (p.Arg519Cys)

Gene: POR (cytochrome p450 oxidoreductase; plus strand). Cytogenetic location: 7q11.23.
Variant type: single nucleotide variant.
Coding change: c.1555C>T on transcript NM_001395413.1 (MANE Select); coding-DNA position 1555, C replaced by T.
Protein change: p.Arg519Cys; replaces arginine 519 with cysteine.
Molecular consequence: missense variant.
Genome position (GRCh38, 1-based): chr7:75,985,744, C>T. VCF-style: chr7-75985744-C-T. GRCh37 (hg19) VCF-style: chr7-75615062-C-T.
Other names: c.1555C>T, p.Arg519Cys (NM_001367562.3, NM_001382657.2, NM_001382658.3 and 1 more transcripts); c.1609C>T, p.Arg537Cys (NM_001382655.3); c.1405C>T, p.Arg469Cys (NM_001382662.3); short protein forms R469C, R519C, R537C.
Identifiers: ClinVar variation 360713 (VCV000360713.8), dbSNP rs782533830, ClinGen allele CA10624266.

ClinVar aggregate classification (germline): Uncertain significance. Review status: criteria provided, multiple submitters, no conflicts (2 of 4 stars). 2 submissions from 2 submitters: Uncertain significance (2). Last evaluated 2025-03-17.

Conditions:
Congenital adrenal hyperplasia due to cytochrome P450 oxidoreductase deficiency. Also called: DISORDERED STEROIDOGENESIS DUE TO POR DEFICIENCY. Identifiers: Orphanet 95699, MedGen C1860042, MONDO:0013310, OMIM 613571.

Allele frequency attached by ClinVar (database versions not stated): gnomAD 0.00004 and 0.00003; TOPMed 0.00002; gnomAD exomes 0.00003.
gnomAD v4.1: 65 of 1,585,256 alleles (0.0041%); highest among the groups gnomAD compares: Middle Eastern, 0.05%; no homozygotes.

Submissions (2):

Labcorp Genetics (formerly Invitae), Labcorp
Classification: Uncertain significance for Congenital adrenal hyperplasia due to cytochrome P450 oxidoreductase deficiency. Last evaluated: 2025-03-17. Review status: criteria provided, single submitter. Criteria: Invitae Variant Classification Sherloc (09022015). Collection method: clinical testing. Allele origin: germline.
Comment: This sequence change replaces arginine, which is basic and polar, with cysteine, which is neutral and slightly polar, at codon 522 of the POR protein (p.Arg522Cys). The frequency data for this variant in the population databases is considered unreliable, as metrics indicate poor data quality at this position in the gnomAD database. This variant has not been reported in the literature in individuals affected with POR-related conditions. ClinVar contains an entry for this variant (Variation ID: 360713). Invitae Evidence Modeling of protein sequence and biophysical properties (such as structural, functional, and spatial information, amino acid conservation, physicochemical variation, residue mobility, and thermodynamic stability) has been performed for this missense variant. However, the output from this modeling did not meet the statistical confidence thresholds required to predict the impact of this variant on POR protein function. In summary, the available evidence is currently insufficient to determine the role of this variant in disease. Therefore, it has been classified as a Variant of Uncertain Significance.

Illumina Laboratory Services, Illumina
Classification: Uncertain significance for Congenital adrenal hyperplasia due to cytochrome P450 oxidoreductase deficiency. Last evaluated: 2018-01-13. Review status: criteria provided, single submitter. Criteria: ICSL Variant Classification Criteria 13 December 2019. Collection method: clinical testing. Allele origin: germline.